The following is an entry in ClinVar:

NM_024666.5(AAGAB):c.481C>T (p.Arg161Ter)

Gene: AAGAB (alpha and gamma adaptin binding protein; minus strand). Cytogenetic location: 15q23.
Variant type: single nucleotide variant.
Coding change: c.481C>T on transcript NM_024666.5 (MANE Select); coding-DNA position 481, C replaced by T.
Protein change: p.Arg161Ter; replaces arginine 161 with a stop codon.
Molecular consequence: nonsense.
Genome position (GRCh38, 1-based): chr15:67,231,868, G>A on the plus strand (C>T on the coding strand, the complement: AAGAB is on the minus strand). VCF-style: chr15-67231868-G-A. GRCh37 (hg19) VCF-style: chr15-67524206-G-A.
Other names: c.154C>T, p.Arg52Ter (NM_001271885.2, NM_001271886.2); short protein forms R161*, R52*.
Identifiers: ClinVar variation 39732 (VCV000039732.9), dbSNP rs746488412, ClinGen allele CA7627086.

ClinVar aggregate classification (germline): Pathogenic. Review status: criteria provided, multiple submitters, no conflicts (2 of 4 stars). 3 submissions from 3 submitters: Pathogenic (2). 1 of the submissions does not count toward it. Last evaluated 2025-06-12.

Conditions:
Palmoplantar keratoderma, punctate type 1A (PPKP1A). Also called: PALMOPLANTAR KERATODERMA, PUNCTATE TYPE IA. Identifiers: Orphanet 79501, MedGen CN031225, MONDO:0007858, OMIM 148600.

Allele frequency attached by ClinVar (database versions not stated): gnomAD exomes 0.00001; TOPMed below 0.00001; ExAC 0.00001.
gnomAD v4.1: 8 of 1,611,806 alleles (0.0005%); highest among the groups gnomAD compares: Admixed American, 0.0017%; no homozygotes.

Submissions (3):

Labcorp Genetics (formerly Invitae), Labcorp
Classification: Pathogenic. Last evaluated: 2025-06-12. Review status: criteria provided, single submitter. Criteria: Invitae Variant Classification Sherloc (09022015). Collection method: clinical testing. Allele origin: germline.
Comment: This sequence change creates a premature translational stop signal (p.Arg161*) in the AAGAB gene. It is expected to result in an absent or disrupted protein product. Loss-of-function variants in AAGAB are known to be pathogenic (PMID: 23000146, 23064416, 23563198, 23633024, 24390136). This variant is present in population databases (rs746488412, gnomAD 0.003%). This premature translational stop signal has been observed in individual(s) with punctate palmoplantar keratoderma, type Buschke-Fischer-Brauer (PMID: 23000146). It has also been observed to segregate with disease in related individuals. ClinVar contains an entry for this variant (Variation ID: 39732). For these reasons, this variant has been classified as Pathogenic.

3billion
Classification: Pathogenic for Palmoplantar keratoderma, punctate type 1A. Last evaluated: 2022-01-03. Review status: criteria provided, single submitter. Criteria: ACMG Guidelines, 2015. Collection method: clinical testing. Allele origin: germline. Affected: yes. Observed: 1 heterozygote.
Comment: Stop-gained (nonsense): predicted to result in a loss or disruption of normal protein function through nonsense-mediated decay (NMD) or protein truncation. Multiple pathogenic variants are reported downstream of the variant (PVS1_VS). It is observed at an extremely low frequency in the gnomAD v2.1.1 dataset (total allele frequency: 0.000008, PM2_M). The variant has been reported to be associated with AAGAB related disorder (ClinVar ID: VCV000039732, PMID:23000146). Therefore, this variant is classified as pathogenic according to the recommendation of ACMG/AMP guideline.

OMIM
Classification: Pathogenic for PALMOPLANTAR KERATODERMA, PUNCTATE TYPE IA. Last evaluated: 2012-11-01. Review status: no assertion criteria provided. Collection method: literature only. Allele origin: germline. Not counted in ClinVar's aggregate classification.

Literature cited by the submitters: PubMed 23000146 (cited by 3 submitters); PubMed 23064416 (cited by Labcorp Genetics (formerly Invitae), Labcorp and OMIM); PubMed 23563198 (cited by Labcorp Genetics (formerly Invitae), Labcorp); PubMed 23633024 (cited by Labcorp Genetics (formerly Invitae), Labcorp); PubMed 24390136 (cited by Labcorp Genetics (formerly Invitae), Labcorp).